The following is an entry in ClinVar:

ClinVar aggregate classification (germline): Likely pathogenic. Review status: criteria provided, single submitter (1 of 4 stars). 2 submissions from 1 submitter: Likely pathogenic (1). 1 of the submissions does not count toward it. Last evaluated 2019-01-08.

Conditions:
Retinitis pigmentosa 3. Also called: CHOROIDORETINAL DEGENERATION WITH RETINAL REFLEX IN HETEROZYGOUS WOMEN. Identifiers: Orphanet 791, MedGen C1845667, MONDO:0010227, OMIM 300029.
Retinal dystrophy. Also called: Inherited retinal dystrophy. Identifiers: Orphanet 71862, MedGen C0854723, MeSH D058499, MONDO:0019118, HP:0000556.

Submissions (2):

Blueprint Genetics
Classification: Likely pathogenic for Retinal dystrophy. Last evaluated: 2019-01-08. Review status: criteria provided, single submitter. Criteria: Blueprint Genetics Variant Classification Scheme. Collection method: clinical testing. Allele origin: germline. Affected: yes.

Blueprint Genetics
Classification: Likely pathogenic for Retinitis pigmentosa 3. Review status: no assertion criteria provided. Collection method: clinical testing. Allele origin: germline. Affected: yes. Not counted in ClinVar's aggregate classification.

NM_001034853.2(RPGR):c.2118_2190dup (p.Gly731fs)

Gene: RPGR (retinitis pigmentosa GTPase regulator; minus strand). Cytogenetic location: Xp11.4.
Variant type: Duplication.
Coding change: c.2118_2190dup on transcript NM_001034853.2 (MANE Select); coding-DNA positions 2118 to 2190, 73 bases duplicated.
Protein change: p.Gly731fs; shifts the reading frame from glycine 731.
Molecular consequence: frameshift variant. On other transcripts: intron variant (8).
Genome position (GRCh38, 1-based): chrX:38,286,809-38,286,881, 73 bases duplicated. GRCh37 (hg19): chrX:38,146,068-38,146,140.
Other names: c.1569+4078_1569+4150dup (NM_001367249.1, NM_001367250.1); c.1902+213_1902+285dup (NM_001367245.1); c.1386+4078_1386+4150dup (NM_001367251.1); c.1719+213_1719+285dup (NM_001367246.1); c.1572+4078_1572+4150dup (NM_001367247.1); c.1905+213_1905+285dup (NM_000328.3); c.1602+4078_1602+4150dup (NM_001367248.1); short protein forms G731fs.
Identifiers: ClinVar variation 866527 (VCV000866527.2), dbSNP rs2067190364, ClinGen allele CA916083911.